The following is an entry in ClinVar:

ClinVar aggregate classification (germline): Uncertain significance (1 of 4 stars; one submission).

Submission:

GeneDx
Classification: Uncertain significance. Last evaluated: 2019-04-04. Review status: criteria provided, single submitter. Criteria: GeneDx Variant Classification Process June 2021. Collection method: clinical testing. Allele origin: germline. Affected: yes.
Comment: Not observed in large population cohorts (Lek et al., 2016); In silico analysis, which includes protein predictors and evolutionary conservation, supports a deleterious effect; Has not been previously published as pathogenic or benign to our knowledge

NM_031407.7(HUWE1):c.4069C>G (p.Pro1357Ala)

Gene: HUWE1 (HECT, UBA and WWE domain containing E3 ubiquitin protein ligase 1; minus strand). Cytogenetic location: Xp11.22.
Variant type: single nucleotide variant.
Coding change: c.4069C>G on transcript NM_031407.7 (MANE Select); coding-DNA position 4069, C replaced by G.
Protein change: p.Pro1357Ala; replaces proline 1357 with alanine.
Molecular consequence: missense variant.
Genome position (GRCh38, 1-based): chrX:53,591,026, G>C on the plus strand (C>G on the coding strand, the complement: HUWE1 is on the minus strand). VCF-style: chrX-53591026-G-C. GRCh37 (hg19) VCF-style: chrX-53617986-G-C.
Other names: short protein forms P1357A.
Identifiers: ClinVar variation 1308530 (VCV001308530.2), dbSNP rs2148434474, ClinGen allele CA413177204.